The following is an entry in ClinVar:

ClinVar aggregate classification (germline): Uncertain significance. Review status: criteria provided, multiple submitters, no conflicts (2 of 4 stars). 2 submissions from 2 submitters: Uncertain significance (2). Last evaluated 2025-10-22.

Submissions (2):

Ambry Genetics
Classification: Uncertain significance. Last evaluated: 2025-10-22. Review status: criteria provided, single submitter. Criteria: Ambry Variant Classification Scheme 2023. Collection method: clinical testing. Allele origin: germline.
Comment: The p.L487F variant (also known as c.1459C>T), located in coding exon 15 of the SRP72 gene, results from a C to T substitution at nucleotide position 1459. The leucine at codon 487 is replaced by phenylalanine, an amino acid with highly similar properties. This amino acid position is conserved. In addition, this alteration is predicted to be deleterious by in silico analysis. Based on the available evidence, the clinical significance of this variant remains unclear.

GeneDx
Classification: Uncertain significance. Last evaluated: 2025-05-29. Review status: criteria provided, single submitter. Criteria: GeneDx Variant Classification Process June 2021. Collection method: clinical testing. Allele origin: germline. Affected: yes.
Comment: Not observed at significant frequency in large population cohorts (gnomAD); In silico analysis supports that this missense variant has a deleterious effect on protein structure/function; Has not been previously published as pathogenic or benign to our knowledge

NM_006947.4(SRP72):c.1459C>T (p.Leu487Phe)

Gene: SRP72 (signal recognition particle 72; plus strand). Cytogenetic location: 4q12.
Variant type: single nucleotide variant.
Coding change: c.1459C>T on transcript NM_006947.4 (MANE Select); coding-DNA position 1459, C replaced by T.
Protein change: p.Leu487Phe; replaces leucine 487 with phenylalanine.
Molecular consequence: missense variant. On other transcripts: non-coding transcript variant (1).
Genome position (GRCh38, 1-based): chr4:56,490,602, C>T. VCF-style: chr4-56490602-C-T. GRCh37 (hg19) VCF-style: chr4-57356768-C-T.
Other names: c.1276C>T, p.Leu426Phe (NM_001267722.2); short protein forms L426F, L487F.
Identifiers: ClinVar variation 4532624 (VCV004532624.2).